The following is an entry in ClinVar:

ClinVar aggregate classification (germline): Uncertain significance (1 of 4 stars; one submission).

Submission:

Labcorp Genetics (formerly Invitae), Labcorp
Classification: Uncertain significance. Last evaluated: 2022-11-15. Review status: criteria provided, single submitter. Criteria: Invitae Variant Classification Sherloc (09022015). Collection method: clinical testing. Allele origin: germline.
Comment: This sequence change replaces leucine, which is neutral and non-polar, with phenylalanine, which is neutral and non-polar, at codon 912 of the DMXL2 protein (p.Leu912Phe). In summary, the available evidence is currently insufficient to determine the role of this variant in disease. Therefore, it has been classified as a Variant of Uncertain Significance. Algorithms developed to predict the effect of missense changes on protein structure and function are either unavailable or do not agree on the potential impact of this missense change (SIFT: "Deleterious"; PolyPhen-2: "Probably Damaging"; Align-GVGD: "Class C0"). This variant has not been reported in the literature in individuals affected with DMXL2-related conditions. This variant is not present in population databases (gnomAD no frequency).

NM_001378457.1(DMXL2):c.2734C>T (p.Leu912Phe)

Gene: DMXL2 (Dmx like 2; minus strand). Cytogenetic location: 15q21.2.
Variant type: single nucleotide variant.
Coding change: c.2734C>T on transcript NM_001378457.1 (MANE Select); coding-DNA position 2734, C replaced by T.
Protein change: p.Leu912Phe; replaces leucine 912 with phenylalanine.
Molecular consequence: missense variant. On other transcripts: non-coding transcript variant (2).
Genome position (GRCh38, 1-based): chr15:51,507,164, G>A on the plus strand (C>T on the coding strand, the complement: DMXL2 is on the minus strand). VCF-style: chr15-51507164-G-A. GRCh37 (hg19) VCF-style: chr15-51799361-G-A.
Other names: c.2734C>T, p.Leu912Phe (NM_001174116.3, NM_001174117.3, NM_001378458.1 and 6 more transcripts); c.2494C>T, p.Leu832Phe (NM_001378464.1); short protein forms L912F, L832F.
Identifiers: ClinVar variation 1898279 (VCV001898279.5), dbSNP rs2548529139, ClinGen allele CA392439245.